The following is an entry in ClinVar:

NM_000444.6(PHEX):c.1724G>A (p.Gly575Glu)

Genes: PHEX (phosphate regulating endopeptidase X-linked; plus strand), PTCHD1-AS (PTCHD1 and PHEX antisense RNA; minus strand). Cytogenetic location: Xp22.11.
Variant type: single nucleotide variant.
Coding change: c.1724G>A on transcript NM_000444.6 (MANE Select); coding-DNA position 1724, G replaced by A.
Protein change: p.Gly575Glu; replaces glycine 575 with glutamic acid.
Molecular consequence: missense variant.
Genome position (GRCh38, 1-based): chrX:22,219,059, G>A. VCF-style: chrX-22219059-G-A. GRCh37 (hg19) VCF-style: chrX-22237176-G-A.
Other names: c.1724G>A, p.Gly575Glu (NM_001282754.2); short protein forms G575E.
Identifiers: ClinVar variation 1393678 (VCV001393678.9), dbSNP rs2147171181, ClinGen allele CA412575761.

ClinVar aggregate classification (germline): Pathogenic/Likely pathogenic. Review status: criteria provided, multiple submitters, no conflicts (2 of 4 stars). 2 submissions from 2 submitters: Pathogenic (1); Likely pathogenic (1). Last evaluated 2022-02-04.

Conditions:
PHEX-related disorder. Also called: PHEX-related condition.

Submissions (2):

Labcorp Genetics (formerly Invitae), Labcorp
Classification: Pathogenic. Last evaluated: 2022-02-04. Review status: criteria provided, single submitter. Criteria: Invitae Variant Classification Sherloc (09022015). Collection method: clinical testing. Allele origin: germline.
Comment: For these reasons, this variant has been classified as Pathogenic. This variant disrupts the p.Arg575 amino acid residue in PHEX. Other variant(s) that disrupt this residue have been determined to be pathogenic (Invitae). This suggests that this residue is clinically significant, and that variants that disrupt this residue are likely to be disease-causing. Advanced modeling of protein sequence and biophysical properties (such as structural, functional, and spatial information, amino acid conservation, physicochemical variation, residue mobility, and thermodynamic stability) performed at Invitae indicates that this missense variant is expected to disrupt PHEX protein function. This missense change has been observed in individual(s) with hypophosphatemic rickets (Invitae). This variant is not present in population databases (gnomAD no frequency). This sequence change replaces glycine, which is neutral and non-polar, with glutamic acid, which is acidic and polar, at codon 575 of the PHEX protein (p.Gly575Glu).

Blueprint Genetics
Classification: Likely pathogenic for PHEX-related disorders. Last evaluated: 2020-08-10. Review status: criteria provided, single submitter. Criteria: ACMG Guidelines, 2015. Collection method: clinical testing. Allele origin: germline. Affected: yes. Observed: 1 variant allele.